The following is an entry in ClinVar:

ClinVar aggregate classification (germline): Uncertain significance (1 of 4 stars; one submission).

Conditions:
Dyskeratosis congenita, autosomal dominant 6 (DKCA6). Identifiers: Orphanet 3322, MedGen C4225284, MONDO:0014690, OMIM 616553.

Allele frequency attached by ClinVar (database versions not stated): gnomAD exomes below 0.00001; TOPMed below 0.00001; gnomAD 0.00001.
gnomAD v4.1: 8 of 1,612,626 alleles (0.0005%); highest among the groups gnomAD compares: African/African-American, 0.004%; no homozygotes.

Submission:

Labcorp Genetics (formerly Invitae), Labcorp
Classification: Uncertain significance for Dyskeratosis congenita, autosomal dominant 6. Last evaluated: 2025-06-09. Review status: criteria provided, single submitter. Criteria: Invitae Variant Classification Sherloc (09022015). Collection method: clinical testing. Allele origin: germline.
Comment: This sequence change replaces alanine, which is neutral and non-polar, with proline, which is neutral and non-polar, at codon 88 of the ACD protein (p.Ala88Pro). This variant is present in population databases (no rsID available, gnomAD 0.004%). This variant has not been reported in the literature in individuals affected with ACD-related conditions. ClinVar contains an entry for this variant (Variation ID: 662327). An algorithm developed to predict the effect of missense changes on protein structure and function (PolyPhen-2) suggests that this variant is likely to be disruptive. In summary, the available evidence is currently insufficient to determine the role of this variant in disease. Therefore, it has been classified as a Variant of Uncertain Significance.

NM_001082486.2(ACD):c.4G>C (p.Ala2Pro)

Gene: ACD (ACD shelterin complex subunit and telomerase recruitment factor; minus strand). Cytogenetic location: 16q22.1.
Variant type: single nucleotide variant.
Coding change: c.4G>C on transcript NM_001082486.2 (MANE Select); coding-DNA position 4, G replaced by C.
Protein change: p.Ala2Pro; replaces alanine 2 with proline.
Molecular consequence: missense variant.
Genome position (GRCh38, 1-based): chr16:67,660,217, C>G on the plus strand (G>C on the coding strand, the complement: ACD is on the minus strand). VCF-style: chr16-67660217-C-G. GRCh37 (hg19) VCF-style: chr16-67694120-C-G.
Other names: c.4G>C, p.Ala2Pro (LRG_1237t1, NM_022914.3); short protein forms A2P.
Identifiers: ClinVar variation 662327 (VCV000662327.10), dbSNP rs1435126124, ClinGen allele CA396359198.